The following continues an entry in ClinVar:

NM_000203.5(IDUA):c.1577T>C (p.Leu526Pro)

Gene: IDUA. ClinVar aggregate classification (germline): Uncertain significance. Uncertain significance (1).

Submissions 5 to 14 of 14:

Myriad Genetics, Inc.
Classification: Likely pathogenic for Mucopolysaccharidosis type 1. Last evaluated: 2025-12-11. Review status: criteria provided, single submitter. Criteria: Myriad Autosomal Dominant, Autosomal Recessive and X-Linked Classification Criteria (2023). Collection method: clinical testing. Allele origin: unknown. Not counted in ClinVar's aggregate classification.
Comment: NM_000203.3(IDUA):c.1577T>C(L526P) is a missense variant classified as likely pathogenic in the context of mucopolysaccharidosis type I. L526P has been observed in cases with relevant disease (PMID: 37181073, 22976768, 26095521, 26260077, 37516270). Relevant functional assessments of this variant are available in the literature (PMID: 39702574). L526P has been observed in referenced population frequency databases. In summary, NM_000203.3(IDUA):c.1577T>C(L526P) is a missense variant that has functional support for pathogenicity and has been observed more frequently in cases with the relevant disease than in healthy populations. Please note: this variant was assessed in the context of healthy population screening.

Mayo Clinic Laboratories, Mayo Clinic
Classification: Uncertain significance. Last evaluated: 2025-11-11. Review status: criteria provided, single submitter. Criteria: ACMG Guidelines, 2015. Collection method: clinical testing. Allele origin: germline. Observed: 1 variant allele. Not counted in ClinVar's aggregate classification.
Comment: PP3_moderate, PP4, PM2_supporting

Natera, Inc.
Classification: Likely pathogenic for Mucopolysaccharidosis type I. Last evaluated: 2025-10-15. Review status: criteria provided, single submitter. Criteria: Natera Variant Classification Schema (03/2026). Collection method: clinical testing. Allele origin: germline. Not counted in ClinVar's aggregate classification.
Comment: The c.1577T>C variant in IDUA is a missense variant predicted to cause substitution of leucine to proline at amino acid 526. This variant is rare in the general population with a frequency below the threshold expected for the associated phenotype(s). This variant has been observed in one or more individuals affected with the associated recessive disease, as either homozygous or compound heterozygous with a second variant (PMID: 22976768, 31194252, 26260077, 35787971). Functional studies show that this variant may disrupt protein function (PMID: 39702574). Computational prediction algorithms indicate this variant is likely to affect gene or protein function. Given the available evidence, this variant is classified as Likely Pathogenic.

Dasa
Classification: Uncertain significance. Last evaluated: 2025-10-02. Review status: criteria provided, single submitter. Criteria: DASA Assertion Criteria. Collection method: clinical testing. Allele origin: germline. Not counted in ClinVar's aggregate classification.
Comment: NM_000203.5(IDUA):c.1577T>C (p.Leu526Pro) is a missense variant that results in the substitution of leucine with proline. This variant is rare in population databases. Computational prediction algorithms are consistent with a deleterious effect. The currently available literature and clinical evidence are not sufficient to establish a definitive association between this variant and the reported condition. Therefore, this variant is classified as a variant of uncertain significance.

Victorian Clinical Genetics Services, Murdoch Childrens Research Institute
Classification: Uncertain significance for Mucopolysaccharidosis type 1. Last evaluated: 2025-09-09. Review status: criteria provided, single submitter. Criteria: ACMG Guidelines, 2015. Collection method: clinical testing. Allele origin: germline. Affected: yes. Not counted in ClinVar's aggregate classification.
Comment: This variant is classified as VUS-3B. Evidence in support of pathogenic classification: Variant is present in gnomAD <0.01 for a recessive condition (v4: 595 heterozygote(s), 0 homozygote(s)); Missense variant predicted to be damaging by in silico tool(s) or highly conserved with a major amino acid change; Heterozygous variant detected in trans with a second PATHOGENIC heterozygous variant (NM_000203.5(IDUA):c.1395dup; p.(Gly466Argfs*43)) in a recessive disease. Additional information: Variant is predicted to result in a missense amino acid change from Leu to Pro; This variant is heterozygous; This gene is associated with autosomal recessive disease; Alternative amino acid change(s) at the same position are present in gnomAD (Highest allele count: v4: 1 heterozygote(s), 0 homozygote(s)); Previous evidence of pathogenicity for this variant is inconclusive. This variant has been classified as a VUS by the ClinGen Lysosomal Storage Disorder Variant Curation Expert Panel. This variant has been reported in individuals with a range of phenotypes, from severely affected individuals to a very attenuated phenotype (ClinVar); Functional evidence for this variant is inconclusive. This variant has been shown to have reduced activity around 15% of wild type, however, this is three times higher than the known pseudodeficiency allele p.(Ala79Thr), which is clinically benign. Additionally, on western blot this variant has impaired proteolytic processing, and evidence of aggregation on native gel electrophoresis (ClinGen Lysosomal Diseases Variant Curation Expert Panel, PMID: 39702574); No comparable missense variants have previous evidence for pathogenicity; Variant is located in the annotated B-sandwich domain (PMID: 39702574); Loss of function is a known mechanism of disease in this gene and is associated with mucopolysaccharidosis type 1 (MONDO:0001586).

Revvity Omics, Revvity
Classification: Uncertain significance. Last evaluated: 2025-02-20. Review status: criteria provided, single submitter. Criteria: ACMG Guidelines, 2015. Collection method: clinical testing. Allele origin: germline. Not counted in ClinVar's aggregate classification.

Blueprint Genetics
Classification: Pathogenic for IDUA-related disorders. Last evaluated: 2024-11-20. Review status: criteria provided, single submitter. Criteria: ACMG Guidelines, 2015. Collection method: clinical testing. Allele origin: germline. Affected: yes. Observed: 5 variant alleles. Not counted in ClinVar's aggregate classification.

Women's Health and Genetics/Laboratory Corporation of America, LabCorp
Classification: Likely pathogenic for Mucopolysaccharidosis type 1. Last evaluated: 2024-08-20. Review status: criteria provided, single submitter. Criteria: LabCorp Variant Classification Summary - May 2015. Collection method: clinical testing. Allele origin: germline. Not counted in ClinVar's aggregate classification.
Comment: Variant summary: IDUA c.1577T>C (p.Leu526Pro) results in a non-conservative amino acid change in the encoded protein sequence. Five of five in-silico tools predict a damaging effect of the variant on protein function. The variant allele was found at a frequency of 0.00034 in 118962 control chromosomes. This frequency is not significantly higher than estimated for a pathogenic variant in IDUA causing Mucopolysaccharidosis Type 1 (0.00034 vs 0.0027), allowing no conclusion about variant significance. c.1577T>C has been reported in the literature in newborn screening studies (e.g. Donati_2018, Wasserstein_2019, Polo_2020, Bosfield_2021). One newborn in particular was found to be homozygous for this variant and exhibited urinary and dried blood spot glycosaminoglycan (GAG) levels within normal range (Donati_2018, Polo_2020). However, no follow-up data from a later stage of life were available to determine the actual phenotype. In contrast, a second homozygous individual was reported who had a clinical diagnosis of Mucopolysaccharidosis Type 1 with an attenuated phenotype (Zhang_2022). Importantly, the variant was also detected in combination with other known pathogenic variants in individuals affected with Mucopolysaccharidosis Type 1 (Pollard_2013, Dickson_2015). These data indicate that the variant is likely to be associated with disease. To our knowledge, no experimental evidence demonstrating an impact on protein function has been reported. The following publications have been ascertained in the context of this evaluation (PMID: 33098355, 31194252, 26260077, 30442156, 22976768, 32432561, 30093709, 35787971). ClinVar contains an entry for this variant (Variation ID: 567566). Based on the evidence outlined above, the variant was classified as likely pathogenic.

Fulgent Genetics
Classification: Likely pathogenic for Hurler syndrome; Mucopolysaccharidosis, MPS-I-H/S; Mucopolysaccharidosis, MPS-I-S. Last evaluated: 2024-04-22. Review status: criteria provided, single submitter. Criteria: ACMG Guidelines, 2015. Collection method: clinical testing. Allele origin: germline. Not counted in ClinVar's aggregate classification.

MGZ Medical Genetics Center
Classification: Likely pathogenic for Mucopolysaccharidosis, MPS-I-H/S. Last evaluated: 2022-01-28. Review status: criteria provided, single submitter. Criteria: ACMG Guidelines, 2015. Collection method: clinical testing. Allele origin: germline. Affected: yes. Observed: 2 variant alleles. Not counted in ClinVar's aggregate classification.
Comment: ACMG criteria applied: PS4_MOD, PM3, PM2_SUP, PP3

Literature cited by the submitters: PubMed 22976768 (cited by 5 submitters); PubMed 30442156 (cited by 3 submitters); PubMed 26095521 (cited by Myriad Genetics, Inc.); PubMed 26260077 (cited by 4 submitters); PubMed 37181073 (cited by Myriad Genetics, Inc. and Mayo Clinic Laboratories, Mayo Clinic); PubMed 37516270 (cited by Myriad Genetics, Inc. and Mayo Clinic Laboratories, Mayo Clinic); PubMed 39702574 (cited by 4 submitters); PubMed 28676128 (cited by Mayo Clinic Laboratories, Mayo Clinic); PubMed 30093709 (cited by Mayo Clinic Laboratories, Mayo Clinic and Women's Health and Genetics/Laboratory Corporation of America, LabCorp); PubMed 31194252 (cited by 3 submitters); PubMed 32432561 (cited by Mayo Clinic Laboratories, Mayo Clinic and Women's Health and Genetics/Laboratory Corporation of America, LabCorp); PubMed 33072983 (cited by Mayo Clinic Laboratories, Mayo Clinic); PubMed 33098355 (cited by Mayo Clinic Laboratories, Mayo Clinic and Women's Health and Genetics/Laboratory Corporation of America, LabCorp); PubMed 33147872 (cited by Mayo Clinic Laboratories, Mayo Clinic); PubMed 35787971 (cited by 3 submitters); PubMed 40359731 (cited by Mayo Clinic Laboratories, Mayo Clinic).